The following is an entry in ClinVar:

NM_001042492.3(NF1):c.619del (p.Val207fs)

Gene: NF1 (neurofibromin 1; plus strand). Cytogenetic location: 17q11.2.
Variant type: Deletion.
Coding change: c.619del on transcript NM_001042492.3 (MANE Select); coding-DNA position 619, one base deleted (G; older notation c.619delG).
Protein change: p.Val207fs; shifts the reading frame from valine 207.
Molecular consequence: frameshift variant.
Genome position (GRCh38, 1-based): chr17:31,181,454, G deleted; the last of 2 consecutive G bases (chr17:31,181,453-31,181,454); deleting either gives the same sequence. VCF-style (leftmost placement, unchanged base first): chr17-31181452-AG-A. GRCh37 (hg19) VCF-style: chr17-29508470-AG-A.
Other names: p.Val207Leufs*4; c.619delG, p.Val207Leufs (NM_000267.3); c.619del, p.Val207fs (NM_000267.4, NM_001128147.3); short protein forms V207fs.
Identifiers: ClinVar variation 4542143 (VCV004542143.1).
Genomic context (GRCh38, chr17:31,181,452, plus strand): 5'-GTTAATTTTTAAAAATTGTGTTTTTTCCAGAAACAGCATTTAAATTTAAAGCCCTAAAGA[AG>A]GTTGCGCAGTTAGCAGTTATAAATAGCCTGGAAAAGGTAAGTTACAACCTCTCTGGTATT-3'

ClinVar aggregate classification (germline): Likely pathogenic (1 of 4 stars; one submission).

Submission:

Mayo Clinic Laboratories, Mayo Clinic
Classification: Likely pathogenic. Last evaluated: 2025-11-29. Review status: criteria provided, single submitter. Criteria: ACMG Guidelines, 2015. Collection method: clinical testing. Allele origin: germline. Observed: 1 variant allele.
Comment: PM2_supporting, PVS1